The following is an entry in ClinVar:

ClinVar aggregate classification (germline): Conflicting classifications of pathogenicity. Review status: criteria provided, conflicting classifications (1 of 4 stars). 7 submissions from 7 submitters: Uncertain significance (3); Likely benign (4). Last evaluated 2025-09-16.

Conditions:
Cardiomyopathy (CMYO). Also called: Cardiomyopathies. Identifiers: Orphanet 167848, MedGen C0878544, MONDO:0004994, HP:0001638. Inheritance: Various modes of inheritance.
Cardiovascular phenotype. Identifiers: MedGen CN230736.
Arrhythmogenic right ventricular cardiomyopathy (ARVD). Also called: Arrhythmogenic Right Ventricular Cardiomyopathy (ARVC); Cardiomyopathy, ARVC; Arrhythmogenic right ventricular dysplasia; Arrhythmogenic cardiomyopathy. Identifiers: Orphanet 247, MedGen C0349788, MeSH D019571, MONDO:0016587. Disease mechanism: loss of function. Inheritance: Various modes of inheritance.
Arrhythmogenic right ventricular dysplasia 10. Also called: Arrhythmogenic Right Ventricular Dysplasia/Cardiomyopathy10; Arrhythmogenic right ventricular dysplasia/cardiomyopathy, type 10; ARRHYTHMOGENIC RIGHT VENTRICULAR DYSPLASIA, FAMILIAL, 10. Identifiers: MedGen C1857777, MONDO:0012434, OMIM 610193.

Allele frequency attached by ClinVar (database versions not stated): 1000 Genomes Project 0.00080; gnomAD 0.00002 and 0.00004; gnomAD exomes 0.00006 and 0.00012; TOPMed 0.00006; ExAC 0.00018; 1000 Genomes Project 30x 0.00062.
gnomAD v4.1: 99 of 1,613,454 alleles (0.0061%); highest among the groups gnomAD compares: South Asian, 0.08%; 2 homozygotes.

Submissions (7):

Labcorp Genetics (formerly Invitae), Labcorp
Classification: Likely benign for Arrhythmogenic right ventricular dysplasia 10. Last evaluated: 2025-09-16. Review status: criteria provided, single submitter. Criteria: Invitae Variant Classification Sherloc (09022015). Collection method: clinical testing. Allele origin: germline.

Color Diagnostics, LLC DBA Color Health
Classification: Likely benign for Cardiomyopathy. Last evaluated: 2024-04-23. Review status: criteria provided, single submitter. Criteria: ACMG Guidelines, 2015. Collection method: clinical testing. Allele origin: germline.

All of Us Research Program, National Institutes of Health
Classification: Uncertain significance for Arrhythmogenic right ventricular cardiomyopathy. Last evaluated: 2023-11-30. Review status: criteria provided, single submitter. Criteria: ACMG Guidelines, 2015. Collection method: clinical testing. Allele origin: germline. Inheritance: Autosomal dominant inheritance. Observed: 8 variant alleles, 8 heterozygotes.
Comment: This missense variant replaces alanine with valine at codon 780 of the DSG2 protein. Computational prediction is inconclusive regarding the impact of this variant on protein structure and function (internally defined REVEL score threshold 0.5 < inconclusive < 0.7, PMID: 27666373). To our knowledge, functional studies have not been reported for this variant. This variant has not been reported in individuals affected with cardiovascular disorders in the literature. This variant has been identified in 33/280200 chromosomes in the general population by the Genome Aggregation Database (gnomAD). The available evidence is insufficient to determine the role of this variant in disease conclusively. Therefore, this variant is classified as a Variant of Uncertain Significance.

This study involves interpretation of variants in research participants for the purpose of population health screening. Participant phenotype was not available at the time of variant classification. Additional details can be found in publication PMID: 35346344, PMCID: PMC8962531

CHEO Genetics Diagnostic Laboratory, Children's Hospital of Eastern Ontario
Classification: Likely benign for Cardiomyopathy. Last evaluated: 2023-05-16. Review status: criteria provided, single submitter. Criteria: ACMG Guidelines, 2015. Collection method: clinical testing. Allele origin: germline.

Ambry Genetics
Classification: Likely benign for Cardiovascular phenotype. Last evaluated: 2022-12-08. Review status: criteria provided, single submitter. Criteria: Ambry Variant Classification Scheme 2023. Collection method: clinical testing. Allele origin: germline.

Blueprint Genetics
Classification: Uncertain significance. Last evaluated: 2022-03-04. Review status: criteria provided, single submitter. Criteria: ACMG Guidelines, 2015. Collection method: clinical testing. Allele origin: germline.

GeneDx
Classification: Uncertain significance. Last evaluated: 2021-12-02. Review status: criteria provided, single submitter. Criteria: GeneDx Variant Classification Process June 2021. Collection method: clinical testing. Allele origin: germline. Affected: yes.
Comment: Reported in a patient diagnosed with Fazio-Londe disease and ARVC who also harbored a homozygous nonsense variant in the SLC52A3 gene and a second missense variant in the DSG2 gene (Alfares et al., 2017); In silico analysis supports that this missense variant has a deleterious effect on protein structure/function; Reported in ClinVar but additional evidence is not available (ClinVar Variant ID# 701986; Landrum et al., 2016); This variant is associated with the following publications: (PMID: 24238504, 26582918, 28454995)

Literature cited by the submitters: PubMed 24238504 (cited by Ambry Genetics); PubMed 28454995 (cited by Ambry Genetics).

NM_001943.5(DSG2):c.2339C>T (p.Ala780Val)

Genes: DSG2 (desmoglein 2; plus strand), DSG2-AS1 (DSG2 antisense RNA 1; minus strand). Cytogenetic location: 18q12.1.
Variant type: single nucleotide variant.
Coding change: c.2339C>T on transcript NM_001943.5 (MANE Select); coding-DNA position 2339, C replaced by T.
Protein change: p.Ala780Val; replaces alanine 780 with valine.
Molecular consequence: missense variant.
Genome position (GRCh38, 1-based): chr18:31,545,725, C>T. VCF-style: chr18-31545725-C-T. GRCh37 (hg19) VCF-style: chr18-29125688-C-T.
Other names: short protein forms A780V.
Identifiers: ClinVar variation 701986 (VCV000701986.25), dbSNP rs547406532, ClinGen allele CA045818.